The following is an entry in ClinVar:

NM_001715.3(BLK):c.674C>A (p.Pro225Gln)

Genes: BLK (BLK proto-oncogene, Src family tyrosine kinase), BLK-AS1 (BLK antisense RNA 1). Cytogenetic location: 8p23.1.
Variant type: single nucleotide variant.
Coding change: c.674C>A on transcript NM_001715.3 (MANE Select); coding-DNA position 674, C replaced by A.
Protein change: p.Pro225Gln; replaces proline 225 with glutamine.
Molecular consequence: missense variant.
Genome position (GRCh38, 1-based): chr8:11,555,386, C>A. VCF-style: chr8-11555386-C-A. GRCh37 (hg19) VCF-style: chr8-11412895-C-A.
Other names: c.461C>A, p.Pro154Gln (NM_001330465.2); short protein forms P225Q, P154Q.
Identifiers: ClinVar variation 1363057 (VCV001363057.25), dbSNP rs144592409, ClinGen allele CA4630033.

ClinVar aggregate classification (germline): Uncertain significance. Review status: criteria provided, multiple submitters, no conflicts (2 of 4 stars). 2 submissions from 2 submitters: Uncertain significance (2). Last evaluated 2024-07-01.

gnomAD v4.1: 55 of 1,614,152 alleles (0.0034%); highest among the groups gnomAD compares: South Asian, 0.037%; 1 homozygote.

Submissions (2):

CeGaT Center for Human Genetics Tuebingen
Classification: Uncertain significance. Last evaluated: 2024-07-01. Review status: criteria provided, single submitter. Criteria: CeGaT Center For Human Genetics Tuebingen Variant Classification Criteria Version 2. Collection method: clinical testing. Allele origin: germline. Affected: yes. Observed: 1 variant allele.

Labcorp Genetics (formerly Invitae), Labcorp
Classification: Uncertain significance. Last evaluated: 2021-05-17. Review status: criteria provided, single submitter. Criteria: Invitae Variant Classification Sherloc (09022015). Collection method: clinical testing. Allele origin: germline.
Comment: In summary, the available evidence is currently insufficient to determine the role of this variant in disease. Therefore, it has been classified as a Variant of Uncertain Significance. Algorithms developed to predict the effect of sequence changes on RNA splicing suggest that this variant may create or strengthen a splice site, but this prediction has not been confirmed by published transcriptional studies. Algorithms developed to predict the effect of missense changes on protein structure and function (SIFT, PolyPhen-2, Align-GVGD) all suggest that this variant is likely to be disruptive, but these predictions have not been confirmed by published functional studies and their clinical significance is uncertain. This variant has not been reported in the literature in individuals with BLK-related conditions. This variant is present in population databases (rs144592409, ExAC 0.01%). This sequence change replaces proline with glutamine at codon 225 of the BLK protein (p.Pro225Gln). The proline residue is highly conserved and there is a moderate physicochemical difference between proline and glutamine.